The following is an entry in ClinVar:

NM_005802.5(TOPORS):c.2441G>A (p.Arg814His)

Gene: TOPORS (TOP1 binding arginine/serine rich protein, E3 ubiquitin ligase; minus strand). Cytogenetic location: 9p21.1.
Variant type: single nucleotide variant.
Coding change: c.2441G>A on transcript NM_005802.5 (MANE Select); coding-DNA position 2441, G replaced by A.
Protein change: p.Arg814His; replaces arginine 814 with histidine.
Molecular consequence: missense variant.
Genome position (GRCh38, 1-based): chr9:32,542,084, C>T on the plus strand (G>A on the coding strand, the complement: TOPORS is on the minus strand). VCF-style: chr9-32542084-C-T. GRCh37 (hg19) VCF-style: chr9-32542082-C-T.
Other names: c.2246G>A, p.Arg749His (NM_001195622.2); short protein forms R814H, R749H.
Identifiers: ClinVar variation 2955828 (VCV002955828.4), dbSNP rs752807518, ClinGen allele CA192358340.

ClinVar aggregate classification (germline): Conflicting classifications of pathogenicity. Review status: criteria provided, conflicting classifications (1 of 4 stars). 2 submissions from 2 submitters: Uncertain significance (1); Likely benign (1). Last evaluated 2023-02-16.

Allele frequency attached by ClinVar (database versions not stated): gnomAD 0.00001.
gnomAD v4.1: 14 of 1,614,112 alleles (0.00087%); highest among the groups gnomAD compares: African/African-American, 0.0013%; no homozygotes.

Submissions (2):

Labcorp Genetics (formerly Invitae), Labcorp
Classification: Uncertain significance. Last evaluated: 2023-02-16. Review status: criteria provided, single submitter. Criteria: Invitae Variant Classification Sherloc (09022015). Collection method: clinical testing. Allele origin: germline.
Comment: This sequence change replaces arginine, which is basic and polar, with histidine, which is basic and polar, at codon 814 of the TOPORS protein (p.Arg814His). This variant is not present in population databases (gnomAD no frequency). This variant has not been reported in the literature in individuals affected with TOPORS-related conditions. Algorithms developed to predict the effect of missense changes on protein structure and function output the following: SIFT: "Not Available"; PolyPhen-2: "Not Available"; Align-GVGD: "Not Available". The histidine amino acid residue is found in multiple mammalian species, which suggests that this missense change does not adversely affect protein function. In summary, the available evidence is currently insufficient to determine the role of this variant in disease. Therefore, it has been classified as a Variant of Uncertain Significance.

Blueprint Genetics
Classification: Likely benign. Last evaluated: 2021-02-01. Review status: criteria provided, single submitter. Criteria: ACMG Guidelines, 2015. Collection method: clinical testing. Allele origin: germline.